The following is an entry in ClinVar:

NM_020533.3(MCOLN1):c.1120G>A (p.Gly374Ser)

Gene: MCOLN1 (mucolipin TRP cation channel 1; plus strand). Cytogenetic location: 19p13.2.
Variant type: single nucleotide variant.
Coding change: c.1120G>A on transcript NM_020533.3 (MANE Select); coding-DNA position 1120, G replaced by A.
Protein change: p.Gly374Ser; replaces glycine 374 with serine.
Molecular consequence: missense variant.
Genome position (GRCh38, 1-based): chr19:7,528,956, G>A. VCF-style: chr19-7528956-G-A. GRCh37 (hg19) VCF-style: chr19-7593842-G-A.
Other names: short protein forms G374S.
Identifiers: ClinVar variation 1343698 (VCV001343698.5), dbSNP rs749914804, ClinGen allele CA9139031.
Genomic context (GRCh38, chr19:7,528,956, plus strand): 5'-TGGTACATCCTGCTCGTCACCAGCGATGTGCTCACCATCTCGGGCACCATCATGAAGATC[G>A]GCATCGAGGCCAAGGTGCGTCCTGCCAACACCCTGGGCCCCAGGTCCCATCCCTGCTGTC-3'
Protein context (NP_065394.1, residues 364-384): LTISGTIMKI[Gly374Ser]IEAKNLASYD

ClinVar aggregate classification (germline): Conflicting classifications of pathogenicity. Review status: criteria provided, conflicting classifications (1 of 4 stars). 3 submissions from 3 submitters: Uncertain significance (2); Likely benign (1). Last evaluated 2026-01-26.

Conditions:
Mucolipidosis type IV (ML4). Also called: ML IV. Identifiers: Orphanet 578, MedGen C0238286, MONDO:0009653, OMIM 252650.
Inborn genetic diseases. Identifiers: MedGen C0950123, MeSH D030342.

Allele frequency attached by ClinVar (database versions not stated): ExAC 0.00004; gnomAD 0.00005 and 0.00006; gnomAD exomes 0.00006; TOPMed 0.00008.
gnomAD v4.1: 141 of 1,614,004 alleles (0.0087%); highest among the groups gnomAD compares: South Asian, 0.026%; 1 homozygote.

Submissions (3):

Labcorp Genetics (formerly Invitae), Labcorp
Classification: Likely benign for Mucolipidosis type IV. Last evaluated: 2026-01-26. Review status: criteria provided, single submitter. Criteria: Invitae Variant Classification Sherloc (09022015). Collection method: clinical testing. Allele origin: germline.

Ambry Genetics
Classification: Uncertain significance for Inborn genetic diseases. Last evaluated: 2024-11-23. Review status: criteria provided, single submitter. Criteria: Ambry Variant Classification Scheme 2023. Collection method: clinical testing. Allele origin: germline.
Comment: The p.G374S variant (also known as c.1120G>A), located in coding exon 9 of the MCOLN1 gene, results from a G to A substitution at nucleotide position 1120. The glycine at codon 374 is replaced by serine, an amino acid with similar properties. This amino acid position is conserved. In addition, this alteration is predicted to be deleterious by in silico analysis. Since supporting evidence is limited at this time, the clinical significance of this alteration remains unclear.

Women's Health and Genetics/Laboratory Corporation of America, LabCorp
Classification: Uncertain significance. Last evaluated: 2022-02-18. Review status: criteria provided, single submitter. Criteria: LabCorp Variant Classification Summary - May 2015. Collection method: clinical testing. Allele origin: germline.